The following is an entry in ClinVar:

NM_032436.4(CHAMP1):c.2269G>A (p.Val757Ile)

Gene: CHAMP1 (chromosome alignment maintaining phosphoprotein 1; plus strand). Cytogenetic location: 13q34.
Variant type: single nucleotide variant.
Coding change: c.2269G>A on transcript NM_032436.4 (MANE Select); coding-DNA position 2269, G replaced by A.
Protein change: p.Val757Ile; replaces valine 757 with isoleucine.
Molecular consequence: missense variant.
Genome position (GRCh38, 1-based): chr13:114,326,111, G>A. VCF-style: chr13-114326111-G-A. GRCh37 (hg19) VCF-style: chr13-115091586-G-A.
Other names: c.2269G>A, p.Val757Ile (NM_001164144.3, NM_001164145.3); short protein forms V757I.
Identifiers: ClinVar variation 1712187 (VCV001712187.2), dbSNP rs2087247419, ClinGen allele CA388851213.

ClinVar aggregate classification (germline): Uncertain significance (1 of 4 stars; one submission).

Submission:

GeneDx
Classification: Uncertain significance. Last evaluated: 2022-04-15. Review status: criteria provided, single submitter. Criteria: GeneDx Variant Classification Process June 2021. Collection method: clinical testing. Allele origin: germline. Affected: yes.
Comment: Not observed at significant frequency in large population cohorts (gnomAD); In silico analysis supports that this missense variant does not alter protein structure/function; Has not been previously published as pathogenic or benign to our knowledge